The following is an entry in ClinVar:

NM_001367823.1(ARHGEF18):c.1261G>A (p.Gly421Ser)

Gene: ARHGEF18 (Rho/Rac guanine nucleotide exchange factor 18; plus strand). Cytogenetic location: 19p13.2.
Variant type: single nucleotide variant.
Coding change: c.1261G>A on transcript NM_001367823.1 (MANE Select); coding-DNA position 1261, G replaced by A.
Protein change: p.Gly421Ser; replaces glycine 421 with serine.
Molecular consequence: missense variant.
Genome position (GRCh38, 1-based): chr19:7,441,953, G>A. VCF-style: chr19-7441953-G-A. GRCh37 (hg19) VCF-style: chr19-7506839-G-A.
Other names: c.535G>A, p.Gly179Ser (NM_001130955.2); c.223G>A, p.Gly75Ser (NM_001367824.1, NM_015318.4); short protein forms G75S, G179S, G421S.
Identifiers: ClinVar variation 954933 (VCV000954933.8), dbSNP rs1974675928, ClinGen allele CA403099978.
Genomic context (GRCh38, chr19:7,441,953, plus strand): 5'-CACCTCGCTCTTCCCTCAGATCCCTACACCGCCTCGCTGAGGAGTGAGATTGAGTCAGAC[G>A]GCCACGAGTTTGAAGCTGAGTCCTGGAGCCTCGCCGTGGATGCAGCCTACGCCAAGAAGC-3'
Protein context (NP_001354752.1, residues 411-431): ASLRSEIESD[Gly421Ser]HEFEAESWSL

ClinVar aggregate classification (germline): Uncertain significance. Review status: criteria provided, multiple submitters, no conflicts (2 of 4 stars). 2 submissions from 2 submitters: Uncertain significance (2). Last evaluated 2023-06-06.

Conditions:
Inborn genetic diseases. Identifiers: MedGen C0950123, MeSH D030342.

Allele frequency attached by ClinVar (database versions not stated): gnomAD exomes below 0.00001; gnomAD 0.00001; TOPMed 0.00001.

Submissions (2):

Ambry Genetics
Classification: Uncertain significance for Inborn genetic diseases. Last evaluated: 2023-06-06. Review status: criteria provided, single submitter. Criteria: Ambry Variant Classification Scheme 2023. Collection method: clinical testing. Allele origin: germline.

Labcorp Genetics (formerly Invitae), Labcorp
Classification: Uncertain significance. Last evaluated: 2021-08-27. Review status: criteria provided, single submitter. Criteria: Invitae Variant Classification Sherloc (09022015). Collection method: clinical testing. Allele origin: germline.
Comment: This sequence change replaces glycine with serine at codon 233 of the ARHGEF18 protein (p.Gly233Ser). The glycine residue is weakly conserved and there is a small physicochemical difference between glycine and serine. This variant is not present in population databases (ExAC no frequency). This variant has not been reported in the literature in individuals affected with ARHGEF18-related conditions. Algorithms developed to predict the effect of missense changes on protein structure and function (SIFT, PolyPhen-2, Align-GVGD) all suggest that this variant is likely to be tolerated. In summary, the available evidence is currently insufficient to determine the role of this variant in disease. Therefore, it has been classified as a Variant of Uncertain Significance.